The following is an entry in ClinVar:

ClinVar aggregate classification (germline): Uncertain significance (1 of 4 stars; one submission).

Conditions:
Inborn genetic diseases. Identifiers: MedGen C0950123, MeSH D030342.

Submission:

Ambry Genetics
Classification: Uncertain significance for Inborn genetic diseases. Last evaluated: 2026-08-01. Review status: criteria provided, single submitter. Criteria: Ambry Variant Classification Scheme 2023. Collection method: clinical testing. Allele origin: germline.
Comment: The p.V192L variant (also known as c.574G>C), located in coding exon 3 of the PIK3CA gene, results from a G to C substitution at nucleotide position 574. The valine at codon 192 is replaced by leucine, an amino acid with highly similar properties. This amino acid position is conserved. In addition, the in silico prediction for this alteration is inconclusive. Based on the available evidence, the clinical significance of this variant remains unclear.

NM_006218.4(PIK3CA):c.574G>C (p.Val192Leu)

Gene: PIK3CA (phosphatidylinositol-4,5-bisphosphate 3-kinase catalytic subunit alpha; plus strand). Cytogenetic location: 3q26.32.
Variant type: single nucleotide variant.
Coding change: c.574G>C on transcript NM_006218.4 (MANE Select); coding-DNA position 574, G replaced by C.
Protein change: p.Val192Leu; replaces valine 192 with leucine.
Molecular consequence: missense variant.
Genome position (GRCh38, 1-based): chr3:179,201,301, G>C. VCF-style: chr3-179201301-G-C. GRCh37 (hg19) VCF-style: chr3-178919089-G-C.
Other names: short protein forms V192L.
Identifiers: ClinVar variation 5026697 (VCV005026697.1).